The following is an entry in ClinVar:

NM_000537.4(REN):c.518T>C (p.Met173Thr)

Gene: REN (renin; minus strand). Cytogenetic location: 1q32.1.
Variant type: single nucleotide variant.
Coding change: c.518T>C on transcript NM_000537.4 (MANE Select); coding-DNA position 518, T replaced by C.
Protein change: p.Met173Thr; replaces methionine 173 with threonine.
Molecular consequence: missense variant.
Genome position (GRCh38, 1-based): chr1:204,159,570, A>G on the plus strand (T>C on the coding strand, the complement: REN is on the minus strand). VCF-style: chr1-204159570-A-G. GRCh37 (hg19) VCF-style: chr1-204128698-A-G.
Other names: short protein forms M173T.
Identifiers: ClinVar variation 2741004 (VCV002741004.3), dbSNP rs2527487955, ClinGen allele CA344338655.

ClinVar aggregate classification (germline): Uncertain significance (1 of 4 stars; one submission).

Allele frequency attached by ClinVar (database versions not stated): gnomAD exomes below 0.00001.

Submission:

Labcorp Genetics (formerly Invitae), Labcorp
Classification: Uncertain significance. Last evaluated: 2024-11-05. Review status: criteria provided, single submitter. Criteria: Invitae Variant Classification Sherloc (09022015). Collection method: clinical testing. Allele origin: germline.
Comment: This sequence change replaces methionine, which is neutral and non-polar, with threonine, which is neutral and polar, at codon 173 of the REN protein (p.Met173Thr). This variant is not present in population databases (gnomAD no frequency). This variant has not been reported in the literature in individuals affected with REN-related conditions. ClinVar contains an entry for this variant (Variation ID: 2741004). Invitae Evidence Modeling of protein sequence and biophysical properties (such as structural, functional, and spatial information, amino acid conservation, physicochemical variation, residue mobility, and thermodynamic stability) indicates that this missense variant is not expected to disrupt REN protein function with a negative predictive value of 80%. In summary, the available evidence is currently insufficient to determine the role of this variant in disease. Therefore, it has been classified as a Variant of Uncertain Significance.